The following is an entry in ClinVar:

ClinVar aggregate classification (germline): Pathogenic (1 of 4 stars; one submission).

Conditions:
Smith-Magenis syndrome (SMS). Also called: CHROMOSOME 17p11.2 DELETION SYNDROME. Identifiers: Orphanet 819, MedGen C0795864, MONDO:0008434, OMIM 182290.

Submission:

Institute of Human Genetics, FAU Erlangen, Friedrich-Alexander-Universität Erlangen-Nürnberg
Classification: Pathogenic for Smith-Magenis syndrome. Last evaluated: 2023-05-11. Review status: criteria provided, single submitter. Criteria: Hauer et al. (Genet Med. 2018). Collection method: clinical testing. Allele origin: germline. Inheritance: Autosomal dominant inheritance. Affected: yes. Observed: 1 variant allele.
Comment: This variant has been identified by standard clinical testing. de novo; ACMG: PVS1, PS2, PM2 Selected ACMG criteria: Pathogenic (I):PM2;PS2;PVS1

NM_030665.4(RAI1):c.2329del (p.Asp777fs)

Gene: RAI1 (retinoic acid induced 1; plus strand). Cytogenetic location: 17p11.2.
Variant type: Deletion.
Coding change: c.2329del on transcript NM_030665.4 (MANE Select); coding-DNA position 2329, one base deleted (G; older notation c.2329delG).
Protein change: p.Asp777fs; shifts the reading frame from aspartic acid 777.
Molecular consequence: frameshift variant.
Genome position (GRCh38, 1-based): chr17:17,795,277, G deleted. VCF-style (leftmost placement, unchanged base first): chr17-17795276-AG-A. GRCh37 (hg19) VCF-style: chr17-17698590-AG-A.
Other names: short protein forms D777fs.
Identifiers: ClinVar variation 2501674 (VCV002501674.1), dbSNP rs2508580813, ClinGen allele CA2580614025.